The following is an entry in ClinVar:

ClinVar aggregate classification (germline): Likely benign (1 of 4 stars; one submission).

Conditions:
LRRC45-related disorder. Also called: LRRC45-related condition.

Submission:

PreventionGenetics, part of Exact Sciences
Classification: Likely benign for LRRC45-related condition. Last evaluated: 2025-05-25. Review status: criteria provided, single submitter. Criteria: ACMG Guidelines, 2015. Collection method: clinical testing. Allele origin: germline.
Comment: This variant is classified as likely benign based on ACMG/AMP sequence variant interpretation guidelines (Richards et al. 2015 PMID: 25741868, with internal and published modifications).

NM_144999.4(LRRC45):c.930C>T (p.Ala310=)

Gene: LRRC45 (leucine rich repeat containing 45; plus strand). Cytogenetic location: 17q25.3.
Variant type: single nucleotide variant.
Coding change: c.930C>T on transcript NM_144999.4 (MANE Select); coding-DNA position 930, C replaced by T.
Protein change: p.Ala310=; no amino-acid change (alanine 310 retained).
Molecular consequence: synonymous variant.
Genome position (GRCh38, 1-based): chr17:82,028,029, C>T. VCF-style: chr17-82028029-C-T. GRCh37 (hg19) VCF-style: chr17-79985905-C-T.
Identifiers: ClinVar variation 4989469 (VCV004989469.1).